The following is an entry in ClinVar:

NM_032119.4(ADGRV1):c.5351G>A (p.Arg1784Lys)

Gene: ADGRV1 (adhesion G protein-coupled receptor V1; plus strand). Cytogenetic location: 5q14.3.
Variant type: single nucleotide variant.
Coding change: c.5351G>A on transcript NM_032119.4 (MANE Select); coding-DNA position 5351, G replaced by A.
Protein change: p.Arg1784Lys; replaces arginine 1784 with lysine.
Molecular consequence: missense variant. On other transcripts: non-coding transcript variant (1).
Genome position (GRCh38, 1-based): chr5:90,676,117, G>A. VCF-style: chr5-90676117-G-A. GRCh37 (hg19) VCF-style: chr5-89971934-G-A.
Other names: short protein forms R1784K.
Identifiers: ClinVar variation 1203111 (VCV001203111.13), dbSNP rs748852381, ClinGen allele CA3339549.

ClinVar aggregate classification (germline): Conflicting classifications of pathogenicity. Review status: criteria provided, conflicting classifications (1 of 4 stars). 6 submissions from 6 submitters: Uncertain significance (4); Likely benign (1). 1 of the submissions does not count toward it. Last evaluated 2025-07-31.

Conditions:
Retinal dystrophy. Also called: Inherited retinal dystrophy. Identifiers: Orphanet 71862, MedGen C0854723, MeSH D058499, MONDO:0019118, HP:0000556.
Inborn genetic diseases. Identifiers: MedGen C0950123, MeSH D030342.

Allele frequency attached by ClinVar (database versions not stated): gnomAD 0.00001; TOPMed 0.00001; ExAC 0.00008; gnomAD exomes 0.00010.
gnomAD v4.1: 48 of 1,603,872 alleles (0.003%); highest among the groups gnomAD compares: Middle Eastern, 0.054%; no homozygotes.

Submissions (6):

Ambry Genetics
Classification: Uncertain significance for Inborn genetic diseases. Last evaluated: 2025-07-31. Review status: criteria provided, single submitter. Criteria: Ambry Variant Classification Scheme 2023. Collection method: clinical testing. Allele origin: germline.

Women's Health and Genetics/Laboratory Corporation of America, LabCorp
Classification: Uncertain significance. Last evaluated: 2025-06-19. Review status: criteria provided, single submitter. Criteria: LabCorp Variant Classification Summary - May 2015. Collection method: clinical testing. Allele origin: germline.
Comment: Variant summary: ADGRV1 c.5351G>A (p.Arg1784Lys) results in a conservative amino acid change in the encoded protein sequence. Algorithms developed to predict the effect of missense changes on protein structure and function are either unavailable or do not agree on the potential impact of this missense change. The variant allele was found at a frequency of 9.5e-05 in 241090 control chromosomes. This frequency is not significantly higher than estimated for a pathogenic variant in ADGRV1 causing ADGRV1-Related Disorders, allowing no conclusion about variant significance. c.5351G>A has been observed in at least one heterozygous individual affected with hearing loss (e.g. Ramzan_2023). These report(s) do not provide unequivocal conclusions about association of the variant with ADGRV1-Related Disorders. To our knowledge, no experimental evidence demonstrating an impact on protein function has been reported. The following publication has been ascertained in the context of this evaluation (PMID: 37217689). ClinVar contains an entry for this variant (Variation ID: 1203111). Based on the evidence outlined above, the variant was classified as uncertain significance.

Labcorp Genetics (formerly Invitae), Labcorp
Classification: Likely benign. Last evaluated: 2025-01-31. Review status: criteria provided, single submitter. Criteria: Invitae Variant Classification Sherloc (09022015). Collection method: clinical testing. Allele origin: germline.

Blueprint Genetics
Classification: Uncertain significance. Last evaluated: 2024-08-06. Review status: criteria provided, single submitter. Criteria: ACMG Guidelines, 2015. Collection method: clinical testing. Allele origin: germline.

GeneDx
Classification: Uncertain significance. Last evaluated: 2021-05-19. Review status: criteria provided, single submitter. Criteria: GeneDx Variant Classification Process June 2021. Collection method: clinical testing. Allele origin: germline. Affected: yes.
Comment: In silico analysis, which includes protein predictors and evolutionary conservation, supports that this variant does not alter protein structure/function; Has not been previously published as pathogenic or benign to our knowledge

Institute of Human Genetics, Univ. Regensburg, Univ. Regensburg
Classification: Uncertain significance for Retinal dystrophy. Last evaluated: 2023-01-01. Review status: no assertion criteria provided. Criteria: ACMG Guidelines, 2015. Collection method: clinical testing. Allele origin: germline. Affected: yes. Not counted in ClinVar's aggregate classification.

Literature cited by the submitters: PubMed 37217689 (cited by Women's Health and Genetics/Laboratory Corporation of America, LabCorp).